The following is an entry in ClinVar:

NM_001042492.3(NF1):c.7450_7451delinsAT (p.Ser2484Ile)

Gene: NF1 (neurofibromin 1; plus strand). Cytogenetic location: 17q11.2.
Variant type: Indel.
Coding change: c.7450_7451delinsAT on transcript NM_001042492.3 (MANE Select); coding-DNA positions 7450 to 7451, TC replaced by AT.
Protein change: p.Ser2484Ile; replaces serine 2484 with isoleucine.
Molecular consequence: missense variant.
Genome position (GRCh38, 1-based): chr17:31,350,311-31,350,312, TC replaced by AT. VCF-style: chr17-31350311-TC-AT. GRCh37 (hg19) VCF-style: chr17-29677329-TC-AT.
Other names: c.7387_7388delTCinsAT (NM_000267.3); c.7387_7388delTCinsAT, p.Ser2463Ile (NM_000267.4); short protein forms S2463I, S2484I.
Identifiers: ClinVar variation 2107321 (VCV002107321.5), dbSNP rs2508806144, ClinGen allele CA2580093390.
Genomic context (GRCh38, chr17:31,350,311, plus strand): 5'-ACTGATATTTCAATGGAAAATGTTCCTATGGATACATATCCCATTCATCATGGTGACCCT[TC>AT]CTATAGGTAAGTGGATTTACTCTCCTATAATTACATAATCATAATCAAGTTTCAATTTTC-3'
Protein context (NP_001035957.1, residues 2474-2494): DTYPIHHGDP[Ser2484Ile]YRTLKETQPW

ClinVar aggregate classification (germline): Uncertain significance. Review status: criteria provided, multiple submitters, no conflicts (2 of 4 stars). 2 submissions from 2 submitters: Uncertain significance (2). Last evaluated 2024-10-16.

Conditions:
Neurofibromatosis, type 1 (NF1). Also called: Peripheral type neurofibromatosis; NEUROFIBROMATOSIS, TYPE I, SOMATIC; VON RECKLINGHAUSEN DISEASE; Neurofibromatosis, type I. Identifiers: Orphanet 636, MedGen C0027831, MONDO:0018975, OMIM 162200. Disease mechanism: loss of function.
Hereditary cancer-predisposing syndrome. Also called: Hereditary Cancer Syndrome; Tumor predisposition; Neoplastic Syndromes, Hereditary; Hereditary neoplastic syndrome. Identifiers: Orphanet 140162, MedGen C0027672, MeSH D009386, MONDO:0015356.
Cardiovascular phenotype. Identifiers: MedGen CN230736.

Submissions (2):

Ambry Genetics
Classification: Uncertain significance for Cardiovascular phenotype; Hereditary cancer-predisposing syndrome. Last evaluated: 2024-10-16. Review status: criteria provided, single submitter. Criteria: Ambry Variant Classification Scheme 2023. Collection method: clinical testing. Allele origin: germline.
Comment: The c.7387_7388delTCinsAT variant, located in coding exon 49 of the NF1 gene, results from an in-frame deletion of TC and insertion of AT at nucleotide positions 7387 to 7388. This results in the substitution of the serine residue for an isoleucine residue at codon 2463, an amino acid with dissimilar properties. In addition, this alteration is predicted to be neutral by in silico analysis (Choi Y et al. PLoS ONE. 2012; 7(10):e46688). Based on the available evidence, the clinical significance of this variant remains unclear.

Labcorp Genetics (formerly Invitae), Labcorp
Classification: Uncertain significance for Neurofibromatosis, type 1. Last evaluated: 2024-04-23. Review status: criteria provided, single submitter. Criteria: Invitae Variant Classification Sherloc (09022015). Collection method: clinical testing. Allele origin: germline.
Comment: This sequence change replaces serine, which is neutral and polar, with isoleucine, which is neutral and non-polar, at codon 2463 of the NF1 protein (p.Ser2463Ile). Information on the frequency of this variant in the gnomAD database is not available, as this variant may be reported differently in the database. This variant has not been reported in the literature in individuals affected with NF1-related conditions. ClinVar contains an entry for this variant (Variation ID: 2107321). An algorithm developed to predict the effect of missense changes on protein structure and function (PolyPhen-2) suggests that this variant is likely to be tolerated. In summary, the available evidence is currently insufficient to determine the role of this variant in disease. Therefore, it has been classified as a Variant of Uncertain Significance.